The following is an entry in ClinVar:

ClinVar aggregate classification (germline): Uncertain significance. Review status: criteria provided, multiple submitters, no conflicts (2 of 4 stars). 2 submissions from 2 submitters: Uncertain significance (2). Last evaluated 2026-07-10.

Conditions:
TWNK-related disorder. Also called: TWNK-related condition.

Allele frequency attached by ClinVar (database versions not stated): TOPMed below 0.00001; gnomAD 0.00001.
gnomAD v4.1: 1 of 1,614,090 alleles (0.000062%); highest among the groups gnomAD compares: Non-Finnish European, 0.000085%; no homozygotes.

Submissions (2):

PreventionGenetics, part of Exact Sciences
Classification: Uncertain significance for TWNK-related condition. Last evaluated: 2026-07-10. Review status: criteria provided, single submitter. Criteria: ACMG Guidelines, 2015. Collection method: clinical testing. Allele origin: germline.
Comment: The TWNK c.1759C>A variant is predicted to result in the amino acid substitution p.Leu587Met. To our knowledge, this variant has not been reported in the literature or in a large population database (gnomAD), indicating this variant is rare. At this time, the clinical significance of this variant is uncertain due to the absence of conclusive functional and genetic evidence.

Labcorp Genetics (formerly Invitae), Labcorp
Classification: Uncertain significance. Last evaluated: 2025-08-20. Review status: criteria provided, single submitter. Criteria: Invitae Variant Classification Sherloc (09022015). Collection method: clinical testing. Allele origin: germline.
Comment: This sequence change replaces leucine, which is neutral and non-polar, with methionine, which is neutral and non-polar, at codon 587 of the TWNK protein (p.Leu587Met). This variant is not present in population databases (gnomAD no frequency). This variant has not been reported in the literature in individuals affected with TWNK-related conditions. ClinVar contains an entry for this variant (Variation ID: 2145068). Invitae Evidence Modeling of protein sequence and biophysical properties (such as structural, functional, and spatial information, amino acid conservation, physicochemical variation, residue mobility, and thermodynamic stability) indicates that this missense variant is expected to disrupt TWNK protein function with a positive predictive value of 80%. In summary, the available evidence is currently insufficient to determine the role of this variant in disease. Therefore, it has been classified as a Variant of Uncertain Significance.

NM_021830.5(TWNK):c.1759C>A (p.Leu587Met)

Gene: TWNK (twinkle mtDNA helicase; plus strand). Cytogenetic location: 10q24.31.
Variant type: single nucleotide variant.
Coding change: c.1759C>A on transcript NM_021830.5 (MANE Select); coding-DNA position 1759, C replaced by A.
Protein change: p.Leu587Met; replaces leucine 587 with methionine.
Molecular consequence: missense variant. On other transcripts: 3 prime UTR variant (2), non-coding transcript variant (5).
Genome position (GRCh38, 1-based): chr10:100,993,214, C>A. VCF-style: chr10-100993214-C-A. GRCh37 (hg19) VCF-style: chr10-102752971-C-A.
Other names: c.*54C>A (NM_001163812.2, NM_001163814.2); c.397C>A, p.Leu133Met (NM_001163813.2, NM_001368275.1); c.1759C>A (NM_021830.4); short protein forms L587M, L133M.
Identifiers: ClinVar variation 2145068 (VCV002145068.5), dbSNP rs1851832319, ClinGen allele CA378211926.